The following is an entry in ClinVar:

ClinVar aggregate classification (germline): Uncertain significance (1 of 4 stars; one submission).

Submission:

GeneDx
Classification: Uncertain significance. Last evaluated: 2019-01-14. Review status: criteria provided, single submitter. Criteria: GeneDx Variant Classification Process June 2021. Collection method: clinical testing. Allele origin: germline. Affected: yes.
Comment: Not observed in large population cohorts (Lek et al., 2016); The majority of missense variants in this gene are considered pathogenic (Stenson et al., 2014); In silico analysis, which includes protein predictors and evolutionary conservation, supports that this variant does not alter protein structure/function; Has not been previously published as pathogenic or benign to our knowledge

NM_006086.4(TUBB3):c.1337C>T (p.Ala446Val)

Gene: TUBB3 (tubulin beta 3 class III; plus strand). Cytogenetic location: 16q24.3.
Variant type: single nucleotide variant.
Coding change: c.1337C>T on transcript NM_006086.4 (MANE Select); coding-DNA position 1337, C replaced by T.
Protein change: p.Ala446Val; replaces alanine 446 with valine.
Molecular consequence: missense variant.
Genome position (GRCh38, 1-based): chr16:89,935,788, C>T. VCF-style: chr16-89935788-C-T. GRCh37 (hg19) VCF-style: chr16-90002196-C-T.
Other names: c.1121C>T, p.Ala374Val (NM_001197181.2); short protein forms A374V, A446V.
Identifiers: ClinVar variation 1303858 (VCV001303858.2), dbSNP rs2151093168, ClinGen allele CA397477274.
Genomic context (GRCh38, chr16:89,935,788, plus strand): 5'-AGGACGCCACGGCCGAGGAAGAGGGCGAGATGTACGAAGACGACGAGGAGGAGTCGGAGG[C>T]CCAGGGCCCCAAGTGAAGCTGCTCGCAGCTGGAGTGAGAGGCAGGTGGCGGCCGGGGCCG-3'
Protein context (NP_006077.2, residues 436-450): MYEDDEEESE[Ala446Val]QGPK